The following is an entry in ClinVar:

NM_004655.4(AXIN2):c.2309T>C (p.Phe770Ser)

Gene: AXIN2 (axin 2; minus strand). Cytogenetic location: 17q24.1.
Variant type: single nucleotide variant.
Coding change: c.2309T>C on transcript NM_004655.4 (MANE Select); coding-DNA position 2309, T replaced by C.
Protein change: p.Phe770Ser; replaces phenylalanine 770 with serine.
Molecular consequence: missense variant.
Genome position (GRCh38, 1-based): chr17:65,534,008, A>G on the plus strand (T>C on the coding strand, the complement: AXIN2 is on the minus strand). VCF-style: chr17-65534008-A-G. GRCh37 (hg19) VCF-style: chr17-63530126-A-G.
Other names: c.2114T>C, p.Phe705Ser (NM_001363813.1); short protein forms F705S, F770S.
Identifiers: ClinVar variation 3224397 (VCV003224397.1), dbSNP rs2509389425, ClinGen allele CA400675536.

ClinVar aggregate classification (germline): Uncertain significance (1 of 4 stars; one submission).

Conditions:
Hereditary cancer-predisposing syndrome. Also called: Tumor predisposition; Hereditary neoplastic syndrome; Hereditary Cancer Syndrome; Neoplastic Syndromes, Hereditary. Identifiers: Orphanet 140162, MedGen C0027672, MeSH D009386, MONDO:0015356.

Submission:

Ambry Genetics
Classification: Uncertain significance for Hereditary cancer-predisposing syndrome. Last evaluated: 2024-02-24. Review status: criteria provided, single submitter. Criteria: Ambry Variant Classification Scheme 2023. Collection method: clinical testing. Allele origin: germline.
Comment: The p.F770S variant (also known as c.2309T>C), located in coding exon 9 of the AXIN2 gene, results from a T to C substitution at nucleotide position 2309. The phenylalanine at codon 770 is replaced by serine, an amino acid with highly dissimilar properties. This amino acid position is conserved. In addition, this alteration is predicted to be deleterious by in silico analysis. Based on the available evidence, the clinical significance of this alteration remains unclear.